The following is an entry in ClinVar:

NM_015909.4(NBAS):c.3074A>T (p.Asp1025Val)

Gene: NBAS (NBAS subunit of NRZ tethering complex; minus strand). Cytogenetic location: 2p24.3.
Variant type: single nucleotide variant.
Coding change: c.3074A>T on transcript NM_015909.4 (MANE Select); coding-DNA position 3074, A replaced by T.
Protein change: p.Asp1025Val; replaces aspartic acid 1025 with valine.
Molecular consequence: missense variant. On other transcripts: non-coding transcript variant (1).
Genome position (GRCh38, 1-based): chr2:15,396,473, T>A on the plus strand (A>T on the coding strand, the complement: NBAS is on the minus strand). VCF-style: chr2-15396473-T-A. GRCh37 (hg19) VCF-style: chr2-15536597-T-A.
Other names: short protein forms D1025V.
Identifiers: ClinVar variation 2114101 (VCV002114101.4), dbSNP rs773554913, ClinGen allele CA345881474.

ClinVar aggregate classification (germline): Uncertain significance (1 of 4 stars; one submission).

Allele frequency attached by ClinVar (database versions not stated): gnomAD exomes below 0.00001.

Submission:

Labcorp Genetics (formerly Invitae), Labcorp
Classification: Uncertain significance. Last evaluated: 2025-04-21. Review status: criteria provided, single submitter. Criteria: Invitae Variant Classification Sherloc (09022015). Collection method: clinical testing. Allele origin: germline.
Comment: This sequence change replaces aspartic acid, which is acidic and polar, with valine, which is neutral and non-polar, at codon 1025 of the NBAS protein (p.Asp1025Val). This variant is present in population databases (no rsID available, gnomAD 0.004%). This variant has not been reported in the literature in individuals affected with NBAS-related conditions. ClinVar contains an entry for this variant (Variation ID: 2114101). Invitae Evidence Modeling of protein sequence and biophysical properties (such as structural, functional, and spatial information, amino acid conservation, physicochemical variation, residue mobility, and thermodynamic stability) indicates that this missense variant is not expected to disrupt NBAS protein function with a negative predictive value of 95%. In summary, the available evidence is currently insufficient to determine the role of this variant in disease. Therefore, it has been classified as a Variant of Uncertain Significance.